The following is an entry in ClinVar:

NM_014319.5(LEMD3):c.1031G>A (p.Gly344Glu)

Gene: LEMD3 (LEM domain containing 3; plus strand). Cytogenetic location: 12q14.3.
Variant type: single nucleotide variant.
Coding change: c.1031G>A on transcript NM_014319.5 (MANE Select); coding-DNA position 1031, G replaced by A.
Protein change: p.Gly344Glu; replaces glycine 344 with glutamic acid.
Molecular consequence: missense variant.
Genome position (GRCh38, 1-based): chr12:65,170,627, G>A. VCF-style: chr12-65170627-G-A. GRCh37 (hg19) VCF-style: chr12-65564407-G-A.
Other names: c.1031G>A, p.Gly344Glu (NM_001167614.2); short protein forms G344E.
Identifiers: ClinVar variation 4763958 (VCV004763958.1).
Genomic context (GRCh38, chr12:65,170,627, plus strand): 5'-CTGCCGGGAGTCTAGACAGGAGCCGAAACCTCGAAGAGGCGGCGGCCGCGGAGCAGGGAG[G>A]AGGGTGTGATCAAGTGGACTCCAGCCCCGTTCCTAGATACCGTGTTAACGCTAAGAAACT-3'
Protein context (NP_055134.2, residues 334-354): LEEAAAAEQG[Gly344Glu]GCDQVDSSPV

ClinVar aggregate classification (germline): Uncertain significance (1 of 4 stars; one submission).

gnomAD v4.1: 4 of 1,614,214 alleles (0.00025%); highest among the groups gnomAD compares: Non-Finnish European, 0.00034%; no homozygotes.

Submission:

Labcorp Genetics (formerly Invitae), Labcorp
Classification: Uncertain significance. Last evaluated: 2025-03-06. Review status: criteria provided, single submitter. Criteria: Invitae Variant Classification Sherloc (09022015). Collection method: clinical testing. Allele origin: germline.
Comment: This sequence change replaces glycine, which is neutral and non-polar, with glutamic acid, which is acidic and polar, at codon 344 of the LEMD3 protein (p.Gly344Glu). This variant is not present in population databases (gnomAD no frequency). This variant has not been reported in the literature in individuals affected with LEMD3-related conditions. Invitae Evidence Modeling of protein sequence and biophysical properties (such as structural, functional, and spatial information, amino acid conservation, physicochemical variation, residue mobility, and thermodynamic stability) indicates that this missense variant is not expected to disrupt LEMD3 protein function with a negative predictive value of 80%. In summary, the available evidence is currently insufficient to determine the role of this variant in disease. Therefore, it has been classified as a Variant of Uncertain Significance.